The following is an entry in ClinVar:

NM_001203.3(BMPR1B):c.571G>C (p.Gly191Arg)

Gene: BMPR1B (bone morphogenetic protein receptor type 1B; plus strand). Cytogenetic location: 4q22.3.
Variant type: single nucleotide variant.
Coding change: c.571G>C on transcript NM_001203.3 (MANE Select); coding-DNA position 571, G replaced by C.
Protein change: p.Gly191Arg; replaces glycine 191 with arginine.
Molecular consequence: missense variant.
Genome position (GRCh38, 1-based): chr4:95,125,107, G>C. VCF-style: chr4-95125107-G-C. GRCh37 (hg19) VCF-style: chr4-96046258-G-C.
Other names: c.571G>C, p.Gly191Arg (NM_001256792.2, NM_001256794.1); c.661G>C, p.Gly221Arg (NM_001256793.2); short protein forms G221R, G191R.
Identifiers: ClinVar variation 4987779 (VCV004987779.1).

ClinVar aggregate classification (germline): Uncertain significance (1 of 4 stars; one submission).

Conditions:
BMPR1B-related disorder. Also called: BMPR1B-related condition.

gnomAD v4.1: 3 of 1,613,754 alleles (0.00019%); highest among the groups gnomAD compares: Non-Finnish European, 0.00025%; no homozygotes.

Submission:

PreventionGenetics, part of Exact Sciences
Classification: Uncertain significance for BMPR1B-related condition. Last evaluated: 2025-03-31. Review status: criteria provided, single submitter. Criteria: ACMG Guidelines, 2015. Collection method: clinical testing. Allele origin: germline.
Comment: The BMPR1B c.571G>C variant is predicted to result in the amino acid substitution p.Gly191Arg. To our knowledge, this variant has not been reported in the literature or in a large population database (gnomAD), indicating this variant is rare. At this time, the clinical significance of this variant is uncertain due to the absence of conclusive functional and genetic evidence.